The following is an entry in ClinVar:

NM_182961.4(SYNE1):c.13909G>A (p.Asp4637Asn)

Gene: SYNE1 (spectrin repeat containing nuclear envelope protein 1; minus strand). Cytogenetic location: 6q25.2.
Variant type: single nucleotide variant.
Coding change: c.13909G>A on transcript NM_182961.4 (MANE Select); coding-DNA position 13909, G replaced by A.
Protein change: p.Asp4637Asn; replaces aspartic acid 4637 with asparagine.
Molecular consequence: missense variant.
Genome position (GRCh38, 1-based): chr6:152,330,776, C>T on the plus strand (G>A on the coding strand, the complement: SYNE1 is on the minus strand). VCF-style: chr6-152330776-C-T. GRCh37 (hg19) VCF-style: chr6-152651911-C-T.
Other names: p.Asp4566Asn; c.13696G>A, p.Asp4566Asn (NM_033071.5); short protein forms D4637N, D4566N.
Identifiers: ClinVar variation 282531 (VCV000282531.43), dbSNP rs142388112, ClinGen allele CA4056103.

ClinVar aggregate classification (germline): Conflicting classifications of pathogenicity. Review status: criteria provided, conflicting classifications (1 of 4 stars). 10 submissions from 9 submitters: Uncertain significance (4); Benign (1); Likely benign (5). Last evaluated 2026-06-01.

Conditions:
Autosomal recessive ataxia, Beauce type. Also called: ATAXIA, RECESSIVE, OF BEAUCE; Spinocerebellar ataxia, autosomal recessive 8; SYNE1-Related Autosomal Recessive Cerebellar Ataxia; SYNE1 Deficiency. Identifiers: Orphanet 88644, MedGen C1853116, MONDO:0012549, OMIM 610743.
Emery-Dreifuss muscular dystrophy 4, autosomal dominant (EDMD4). Also called: EMERY-DREIFUSS MUSCULAR DYSTROPHY 4 WITH VARIABLE FEATURES. Identifiers: Orphanet 261, MedGen C2751807, MONDO:0013071, OMIM 612998.

Allele frequency attached by ClinVar (database versions not stated): ESP Exome Variant Server 0.00077; gnomAD 0.00077 and 0.00105; gnomAD exomes 0.00079; 1000 Genomes Project 30x 0.00094; ExAC 0.00094; 1000 Genomes Project 0.00100; TOPMed 0.00125.
gnomAD v4.1: 2,099 of 1,613,858 alleles (0.13%); highest among the groups gnomAD compares: Non-Finnish European, 0.16%; 4 homozygotes.

Submissions (10):

CeGaT Center for Human Genetics Tuebingen
Classification: Uncertain significance. Last evaluated: 2026-06-01. Review status: criteria provided, single submitter. Criteria: CeGaT Center For Human Genetics Tuebingen Variant Classification Criteria Version 2. Collection method: clinical testing. Allele origin: germline. Affected: yes. Observed: 9 variant alleles.

Mayo Clinic Laboratories, Mayo Clinic
Classification: Uncertain significance. Last evaluated: 2025-10-07. Review status: criteria provided, single submitter. Criteria: ACMG Guidelines, 2015. Collection method: clinical testing. Allele origin: germline. Observed: 1 variant allele.
Comment: BS1

Women's Health and Genetics/Laboratory Corporation of America, LabCorp
Classification: Likely benign. Last evaluated: 2025-09-08. Review status: criteria provided, single submitter. Criteria: LabCorp Variant Classification Summary - May 2015. Collection method: clinical testing. Allele origin: germline.
Comment: Variant summary: SYNE1 c.13696G>A (p.Asp4566Asn) results in a conservative amino acid change in the encoded protein sequence. Algorithms developed to predict the effect of missense changes on protein structure and function are either unavailable or do not agree on the potential impact of this missense change. The variant allele was found at a frequency of 0.0013 in 1606884 control chromosomes, predominantly at a frequency of 0.0016 within the Non-Finnish European subpopulation in the gnomAD database, including 3 homozygotes. The observed variant frequency within Non-Finnish European control individuals in the gnomAD database exceeds the estimated maximal expected allele frequency for disease-causing variants in SYNE1. c.13696G>A has been observed in an individual affected with ataxia (Ngo_2020), however, no supportive evidence for causality was provided. This report does not provide unequivocal conclusions about association of the variant with Autosomal recessive ataxia, Beauce type. To our knowledge, no experimental evidence demonstrating an impact on protein function has been reported. The following publications have been ascertained in the context of this evaluation (PMID: 30564623, 31692161, 32906206). ClinVar contains an entry for this variant (Variation ID: 282531). Based on the evidence outlined above, the variant was classified as likely benign.

Athena Diagnostics
Classification: Likely benign. Last evaluated: 2025-09-02. Review status: criteria provided, single submitter. Criteria: Athena Diagnostics Criteria. Collection method: clinical testing. Allele origin: unknown.
Comment: The frequency of this variant in the general population is higher than would generally be expected for pathogenic variants in this gene.

Blueprint Genetics
Classification: Likely benign. Last evaluated: 2024-10-03. Review status: criteria provided, single submitter. Criteria: ACMG Guidelines, 2015. Collection method: clinical testing. Allele origin: germline.

Labcorp Genetics (formerly Invitae), Labcorp
Classification: Uncertain significance for Emery-Dreifuss muscular dystrophy 4, autosomal dominant; Autosomal recessive ataxia, Beauce type. Last evaluated: 2022-09-19. Review status: criteria provided, single submitter. Criteria: Invitae Variant Classification Sherloc (09022015). Collection method: clinical testing. Allele origin: germline.
Comment: This sequence change replaces aspartic acid, which is acidic and polar, with asparagine, which is neutral and polar, at codon 4566 of the SYNE1 protein (p.Asp4566Asn). This variant is present in population databases (rs142388112, gnomAD 0.1%), and has an allele count higher than expected for a pathogenic variant. This missense change has been observed in individual(s) with pure cerebellar ataxia (PMID: 31692161). ClinVar contains an entry for this variant (Variation ID: 282531). Algorithms developed to predict the effect of missense changes on protein structure and function are either unavailable or do not agree on the potential impact of this missense change (SIFT: "Deleterious"; PolyPhen-2: "Probably Damaging"; Align-GVGD: "Class C15"). In summary, the available evidence is currently insufficient to determine the role of this variant in disease. Therefore, it has been classified as a Variant of Uncertain Significance.

GeneDx
Classification: Likely benign. Last evaluated: 2019-05-28. Review status: criteria provided, single submitter. Criteria: GeneDx Variant Classification Process June 2021. Collection method: clinical testing. Allele origin: germline. Affected: yes.
Comment: This variant is associated with the following publications: (PMID: 31692161)

Illumina Laboratory Services, Illumina
Classification: Benign for Emery-Dreifuss muscular dystrophy 4, autosomal dominant. Last evaluated: 2018-01-12. Review status: criteria provided, single submitter. Criteria: ICSL Variant Classification Criteria 13 December 2019. Collection method: clinical testing. Allele origin: germline.
Comment: This variant was observed in the ICSL laboratory as part of a predisposition screen in an ostensibly healthy population. It had not been previously curated by ICSL or reported in the Human Gene Mutation Database (HGMD: prior to June 1st, 2018), and was therefore a candidate for classification through an automated scoring system. Utilizing variant allele frequency, disease prevalence and penetrance estimates, and inheritance mode, an automated score was calculated to assess if this variant is too frequent to cause the disease. Based on the score and internal cut-off values, a variant classified as benign is not then subjected to further curation. The score for this variant resulted in a classification of benign for this disease.

Illumina Laboratory Services, Illumina
Classification: Uncertain significance for Autosomal recessive ataxia, Beauce type. Last evaluated: 2018-01-12. Review status: criteria provided, single submitter. Criteria: ICSL Variant Classification Criteria 13 December 2019. Collection method: clinical testing. Allele origin: germline.

Eurofins Ntd Llc (ga)
Classification: Likely benign. Last evaluated: 2016-09-22. Review status: criteria provided, single submitter. Criteria: EGL Classification Definitions 2015. Collection method: clinical testing. Allele origin: germline. Observed: 12 variant alleles, 12 heterozygotes.

Literature cited by the submitters: PubMed 25401298 (cited by Mayo Clinic Laboratories, Mayo Clinic and Athena Diagnostics); PubMed 29961767 (cited by Mayo Clinic Laboratories, Mayo Clinic and Athena Diagnostics); PubMed 30029642 (cited by Mayo Clinic Laboratories, Mayo Clinic and Athena Diagnostics); PubMed 31692161 (cited by 4 submitters); PubMed 30564623 (cited by Women's Health and Genetics/Laboratory Corporation of America, LabCorp); PubMed 32906206 (cited by Women's Health and Genetics/Laboratory Corporation of America, LabCorp).